The following is an entry in ClinVar:

ClinVar aggregate classification (germline): Likely benign (1 of 4 stars; one submission).

gnomAD v4.1: 49 of 1,610,658 alleles (0.003%); highest among the groups gnomAD compares: African/African-American, 0.0053%; no homozygotes.

Submission:

CeGaT Center for Human Genetics Tuebingen
Classification: Likely benign. Last evaluated: 2025-12-01. Review status: criteria provided, single submitter. Criteria: CeGaT Center For Human Genetics Tuebingen Variant Classification Criteria Version 2. Collection method: clinical testing. Allele origin: germline. Affected: yes. Observed: 1 variant allele.
Comment: SHANK2: BP4, BP7

NM_012309.5(SHANK2):c.2439C>T (p.Asn813=)

Gene: SHANK2 (SH3 and multiple ankyrin repeat domains 2; minus strand). Cytogenetic location: 11q13.3.
Variant type: single nucleotide variant.
Coding change: c.2439C>T on transcript NM_012309.5 (MANE Select); coding-DNA position 2439, C replaced by T.
Protein change: p.Asn813=; no amino-acid change (asparagine 813 retained).
Molecular consequence: synonymous variant. On other transcripts: non-coding transcript variant (1).
Genome position (GRCh38, 1-based): chr11:70,492,335, G>A on the plus strand (C>T on the coding strand, the complement: SHANK2 is on the minus strand). VCF-style: chr11-70492335-G-A. GRCh37 (hg19) VCF-style: chr11-70338440-G-A.
Other names: c.1302C>T, p.Asn434= (NM_001379226.1); c.2580C>T, p.Asn860= (NM_001441024.1); c.2409C>T, p.Asn803= (NM_001441025.1, NM_001441026.1, NM_001441032.1 and 11 more transcripts); c.666C>T, p.Asn222= (NM_001441042.1); c.675C>T, p.Asn225= (NM_001441043.1, NM_133266.5); c.645C>T, p.Asn215= (NM_001441044.1, NM_001441045.1, NM_001441046.1); c.564C>T, p.Asn188= (NM_001441047.1); c.2337C>T, p.Asn779= (NM_001441038.1); and 1 more.
Identifiers: ClinVar variation 4681377 (VCV004681377.5).